The following is an entry in ClinVar:

NM_020937.4(FANCM):c.4574A>T (p.Tyr1525Phe)

Gene: FANCM (FA complementation group M; plus strand). Cytogenetic location: 14q21.2.
Variant type: single nucleotide variant.
Coding change: c.4574A>T on transcript NM_020937.4 (MANE Select); coding-DNA position 4574, A replaced by T.
Protein change: p.Tyr1525Phe; replaces tyrosine 1525 with phenylalanine.
Molecular consequence: missense variant.
Genome position (GRCh38, 1-based): chr14:45,185,275, A>T. VCF-style: chr14-45185275-A-T. GRCh37 (hg19) VCF-style: chr14-45654478-A-T.
Other names: c.4574A>T (NM_020937.2); c.4496A>T, p.Tyr1499Phe (NM_001308133.2); short protein forms Y1499F, Y1525F.
Identifiers: ClinVar variation 1448117 (VCV001448117.9), dbSNP rs748721088, ClinGen allele CA389608194.
Genomic context (GRCh38, chr14:45,185,275, plus strand): 5'-AGCATGTAGCTAGGAAGTTTTTAGATGATGAAGCAGAACTTTCTGAAGAAGATGCAGAAT[A>T]TGTTTCATCAGATGAAAATGATGAGTCAGAAAATGAACAAGATTCCTCATTACTTGACTT-3'
Protein context (NP_065988.1, residues 1515-1535): EAELSEEDAE[Tyr1525Phe]VSSDENDESE

ClinVar aggregate classification (germline): Uncertain significance. Review status: criteria provided, multiple submitters, no conflicts (2 of 4 stars). 2 submissions from 2 submitters: Uncertain significance (2). Last evaluated 2024-10-15.

Conditions:
Fanconi anemia (FA). Also called: Fanconi's anemia. Identifiers: Orphanet 84, MedGen C0015625, MeSH D005199, MONDO:0019391.
Inborn genetic diseases. Identifiers: MedGen C0950123, MeSH D030342.

Allele frequency attached by ClinVar (database versions not stated): gnomAD 0.00001.
gnomAD v4.1: 2 of 1,602,410 alleles (0.00012%); highest among the groups gnomAD compares: Non-Finnish European, 0.00017%; no homozygotes.

Submissions (2):

Ambry Genetics
Classification: Uncertain significance for Inborn genetic diseases. Last evaluated: 2024-10-15. Review status: criteria provided, single submitter. Criteria: Ambry Variant Classification Scheme 2023. Collection method: clinical testing. Allele origin: germline.
Comment: The p.Y1525F variant (also known as c.4574A>T), located in coding exon 18 of the FANCM gene, results from an A to T substitution at nucleotide position 4574. The tyrosine at codon 1525 is replaced by phenylalanine, an amino acid with highly similar properties. This amino acid position is conserved. In addition, this alteration is predicted to be tolerated by in silico analysis. Based on the available evidence, the clinical significance of this variant remains unclear.

Labcorp Genetics (formerly Invitae), Labcorp
Classification: Uncertain significance for Fanconi anemia. Last evaluated: 2024-04-16. Review status: criteria provided, single submitter. Criteria: Invitae Variant Classification Sherloc (09022015). Collection method: clinical testing. Allele origin: germline.
Comment: This sequence change replaces tyrosine, which is neutral and polar, with phenylalanine, which is neutral and non-polar, at codon 1525 of the FANCM protein (p.Tyr1525Phe). This variant is not present in population databases (gnomAD no frequency). This variant has not been reported in the literature in individuals affected with FANCM-related conditions. ClinVar contains an entry for this variant (Variation ID: 1448117). An algorithm developed to predict the effect of missense changes on protein structure and function (PolyPhen-2) suggests that this variant is likely to be tolerated. In summary, the available evidence is currently insufficient to determine the role of this variant in disease. Therefore, it has been classified as a Variant of Uncertain Significance.